The following is an entry in ClinVar:

ClinVar aggregate classification (germline): Conflicting classifications of pathogenicity. Review status: criteria provided, conflicting classifications (1 of 4 stars). 3 submissions from 3 submitters: Uncertain significance (1); Likely benign (1). 1 of the submissions does not count toward it. Last evaluated 2022-09-06.

Conditions:
Hypertrophic cardiomyopathy. Also called: HYPERTROPHIC MYOCARDIOPATHY. Identifiers: Orphanet 217569, MedGen C0007194, MeSH D002312, MONDO:0005045, HP:0001639.
MYBPC3-related disorder. Also called: MYBPC3-related condition; MYBPC3-related disease; MYBPC3-related disorders.
Cardiovascular phenotype. Identifiers: MedGen CN230736.

Allele frequency attached by ClinVar (database versions not stated): gnomAD 0.00001; TOPMed 0.00001.
gnomAD v4.1: 3 of 1,573,176 alleles (0.00019%); highest among the groups gnomAD compares: African/African-American, 0.0014%; no homozygotes.

Submissions (3):

Ambry Genetics
Classification: Uncertain significance for Cardiovascular phenotype. Last evaluated: 2022-09-06. Review status: criteria provided, single submitter. Criteria: Ambry Variant Classification Scheme 2023. Collection method: clinical testing. Allele origin: germline.
Comment: The c.774G>A variant (also known as p.E258E), located in coding exon 7 of the MYBPC3 gene, results from a G to A substitution at nucleotide position 774. This nucleotide substitution does not change the glutamic acid at codon 258. This nucleotide position is well conserved in available vertebrate species. In silico splice site analysis predicts that this alteration will result in the creation or strengthening of a novel splice acceptor site. Since supporting evidence is limited at this time, the clinical significance of this alteration remains unclear.

Labcorp Genetics (formerly Invitae), Labcorp
Classification: Likely benign for Hypertrophic cardiomyopathy. Last evaluated: 2021-12-21. Review status: criteria provided, single submitter. Criteria: Invitae Variant Classification Sherloc (09022015). Collection method: clinical testing. Allele origin: germline.

PreventionGenetics, part of Exact Sciences
Classification: Likely benign for MYBPC3-related condition. Last evaluated: 2024-05-11. Review status: no assertion criteria provided. Collection method: clinical testing. Allele origin: germline. Not counted in ClinVar's aggregate classification.
Comment: This variant is classified as likely benign based on ACMG/AMP sequence variant interpretation guidelines (Richards et al. 2015 PMID: 25741868, with internal and published modifications).

NM_000256.3(MYBPC3):c.774G>A (p.Glu258=)

Gene: MYBPC3 (myosin binding protein C3; minus strand). Cytogenetic location: 11p11.2.
Variant type: single nucleotide variant.
Coding change: c.774G>A on transcript NM_000256.3 (MANE Select); coding-DNA position 774, G replaced by A.
Protein change: p.Glu258=; no amino-acid change (glutamic acid 258 retained).
Molecular consequence: synonymous variant.
Genome position (GRCh38, 1-based): chr11:47,347,904, C>T on the plus strand (G>A on the coding strand, the complement: MYBPC3 is on the minus strand). VCF-style: chr11-47347904-C-T. GRCh37 (hg19) VCF-style: chr11-47369455-C-T.
Identifiers: ClinVar variation 1760452 (VCV001760452.10), dbSNP rs1269188508, ClinGen allele CA474221332.